The following is an entry in ClinVar:

ClinVar aggregate classification (germline): Uncertain significance. Review status: criteria provided, multiple submitters, no conflicts (2 of 4 stars). 2 submissions from 2 submitters: Uncertain significance (2). Last evaluated 2023-03-13.

Allele frequency attached by ClinVar (database versions not stated): gnomAD 0.00001; gnomAD exomes 0.00001 and 0.00002; TOPMed 0.00001; ExAC 0.00002; ESP Exome Variant Server 0.00008; 1000 Genomes Project 30x 0.00016; 1000 Genomes Project 0.00020.
gnomAD v4.1: 13 of 1,614,022 alleles (0.00081%); highest among the groups gnomAD compares: South Asian, 0.0044%; no homozygotes.

Submissions (2):

Blueprint Genetics
Classification: Uncertain significance. Last evaluated: 2023-03-13. Review status: criteria provided, single submitter. Criteria: ACMG Guidelines, 2015. Collection method: clinical testing. Allele origin: germline.

Labcorp Genetics (formerly Invitae), Labcorp
Classification: Uncertain significance. Last evaluated: 2021-10-29. Review status: criteria provided, single submitter. Criteria: Invitae Variant Classification Sherloc (09022015). Collection method: clinical testing. Allele origin: germline.
Comment: This sequence change replaces serine, which is neutral and polar, with leucine, which is neutral and non-polar, at codon 4143 of the USH2A protein (p.Ser4143Leu). This variant is present in population databases (rs373319380, gnomAD 0.006%). This variant has not been reported in the literature in individuals affected with USH2A-related conditions. Algorithms developed to predict the effect of missense changes on protein structure and function (SIFT, PolyPhen-2, Align-GVGD) all suggest that this variant is likely to be disruptive. In summary, the available evidence is currently insufficient to determine the role of this variant in disease. Therefore, it has been classified as a Variant of Uncertain Significance.

NM_206933.4(USH2A):c.12428C>T (p.Ser4143Leu)

Gene: USH2A (usherin; minus strand). Cytogenetic location: 1q41.
Variant type: single nucleotide variant.
Coding change: c.12428C>T on transcript NM_206933.4 (MANE Select); coding-DNA position 12428, C replaced by T.
Protein change: p.Ser4143Leu; replaces serine 4143 with leucine.
Molecular consequence: missense variant.
Genome position (GRCh38, 1-based): chr1:215,675,483, G>A on the plus strand (C>T on the coding strand, the complement: USH2A is on the minus strand). VCF-style: chr1-215675483-G-A. GRCh37 (hg19) VCF-style: chr1-215848825-G-A.
Other names: short protein forms S4143L.
Identifiers: ClinVar variation 1462234 (VCV001462234.4), dbSNP rs373319380, ClinGen allele CA1393468.